The following is an entry in ClinVar:

NM_014362.4(HIBCH):c.1045G>C (p.Val349Leu)

Gene: HIBCH (3-hydroxyisobutyryl-CoA hydrolase; minus strand). Cytogenetic location: 2q32.2.
Variant type: single nucleotide variant.
Coding change: c.1045G>C on transcript NM_014362.4 (MANE Select); coding-DNA position 1045, G replaced by C.
Protein change: p.Val349Leu; replaces valine 349 with leucine.
Molecular consequence: missense variant. On other transcripts: intron variant (1).
Genome position (GRCh38, 1-based): chr2:190,208,880, C>G on the plus strand (G>C on the coding strand, the complement: HIBCH is on the minus strand). VCF-style: chr2-190208880-C-G. GRCh37 (hg19) VCF-style: chr2-191073606-C-G.
Other names: c.1012-3648G>C (NM_198047.3); short protein forms V349L.
Identifiers: ClinVar variation 2012743 (VCV002012743.4), dbSNP rs1690455717, ClinGen allele CA349894104.

ClinVar aggregate classification (germline): Uncertain significance (1 of 4 stars; one submission).

Conditions:
3-hydroxyisobutyryl-CoA hydrolase deficiency. Also called: HIBCH DEFICIENCY; METHACRYLIC ACID TOXICITY; METHACRYLIC ACIDURIA; VALINE METABOLIC DEFECT; Reduced circulating 3-hydroxyisobutyryl-CoA hydrolase activity; Deficiency of 3-hydroxyisobutyryl CoA hydrolase. Identifiers: Orphanet 88639, MedGen C0342738, MONDO:0009603, OMIM 250620, HP:6000215.

Allele frequency attached by ClinVar (database versions not stated): TOPMed below 0.00001.

Submission:

Labcorp Genetics (formerly Invitae), Labcorp
Classification: Uncertain significance for 3-hydroxyisobutyryl-CoA hydrolase deficiency. Last evaluated: 2022-06-05. Review status: criteria provided, single submitter. Criteria: Invitae Variant Classification Sherloc (09022015). Collection method: clinical testing. Allele origin: germline.
Comment: In summary, the available evidence is currently insufficient to determine the role of this variant in disease. Therefore, it has been classified as a Variant of Uncertain Significance. Variants that disrupt the consensus splice site are a relatively common cause of aberrant splicing (PMID: 17576681, 9536098). Algorithms developed to predict the effect of sequence changes on RNA splicing suggest that this variant may disrupt the consensus splice site. Algorithms developed to predict the effect of missense changes on protein structure and function output the following: SIFT: "Tolerated"; PolyPhen-2: "Benign"; Align-GVGD: "Class C0". The leucine amino acid residue is found in multiple mammalian species, which suggests that this missense change does not adversely affect protein function. This variant has not been reported in the literature in individuals affected with HIBCH-related conditions. This variant is not present in population databases (gnomAD no frequency). This sequence change replaces valine, which is neutral and non-polar, with leucine, which is neutral and non-polar, at codon 349 of the HIBCH protein (p.Val349Leu). This variant also falls at the last nucleotide of exon 13, which is part of the consensus splice site for this exon.

Literature cited by the submitters: PubMed 17576681; PubMed 9536098.